The following is an entry in ClinVar:

ClinVar aggregate classification (germline): Likely benign. Review status: criteria provided, multiple submitters, no conflicts (2 of 4 stars). 2 submissions from 2 submitters: Likely benign (2). Last evaluated 2024-10-01.

Conditions:
Congenital dyserythropoietic anemia, type II (CDAN2). Also called: DYSERYTHROPOIETIC ANEMIA, HEMPAS TYPE. Identifiers: Orphanet 98873, MedGen C1306589, MONDO:0009134, OMIM 224100.
Cowden syndrome 7 (CWS7). Identifiers: Orphanet 201, MedGen C4225179, MONDO:0014802, OMIM 616858.

Allele frequency attached by ClinVar (database versions not stated): gnomAD exomes below 0.00001.
gnomAD v4.1: 1 of 1,612,970 alleles (0.000062%); highest among the groups gnomAD compares: Non-Finnish European, 0.000085%; no homozygotes.

Submissions (2):

CeGaT Center for Human Genetics Tuebingen
Classification: Likely benign. Last evaluated: 2024-10-01. Review status: criteria provided, single submitter. Criteria: CeGaT Center For Human Genetics Tuebingen Variant Classification Criteria Version 2. Collection method: clinical testing. Allele origin: germline. Affected: yes. Observed: 1 variant allele.
Comment: SEC23B: BP4, BP7

Labcorp Genetics (formerly Invitae), Labcorp
Classification: Likely benign for Congenital dyserythropoietic anemia, type II; Cowden syndrome 7. Last evaluated: 2023-08-20. Review status: criteria provided, single submitter. Criteria: Invitae Variant Classification Sherloc (09022015). Collection method: clinical testing. Allele origin: germline.

NM_006363.6(SEC23B):c.1071T>C (p.Thr357=)

Gene: SEC23B (SEC23 homolog B, COPII component; plus strand). Cytogenetic location: 20p11.23.
Variant type: single nucleotide variant.
Coding change: c.1071T>C on transcript NM_006363.6 (MANE Select); coding-DNA position 1071, T replaced by C.
Protein change: p.Thr357=; no amino-acid change (threonine 357 retained).
Molecular consequence: synonymous variant.
Genome position (GRCh38, 1-based): chr20:18,527,573, T>C. VCF-style: chr20-18527573-T-C. GRCh37 (hg19) VCF-style: chr20-18508217-T-C.
Other names: c.1071T>C, p.Thr357= (NM_001172745.3, NM_032985.6, NM_032986.5); c.1017T>C, p.Thr339= (NM_001172746.3).
Identifiers: ClinVar variation 2951155 (VCV002951155.17), dbSNP rs2517477678, ClinGen allele CA509827263.